The following is an entry in ClinVar:

NM_001378609.3(OTOGL):c.4651A>G (p.Asn1551Asp)

Gene: OTOGL (otogelin like; plus strand). Cytogenetic location: 12q21.31.
Variant type: single nucleotide variant.
Coding change: c.4651A>G on transcript NM_001378609.3 (MANE Select); coding-DNA position 4651, A replaced by G.
Protein change: p.Asn1551Asp; replaces asparagine 1551 with aspartic acid.
Molecular consequence: missense variant.
Genome position (GRCh38, 1-based): chr12:80,336,463, A>G. VCF-style: chr12-80336463-A-G. GRCh37 (hg19) VCF-style: chr12-80730243-A-G.
Other names: c.4516A>G, p.Asn1506Asp (NM_001368062.3); c.4651A>G, p.Asn1551Asp (NM_001378610.3, NM_173591.7); short protein forms N1506D, N1551D.
Identifiers: ClinVar variation 4527399 (VCV004527399.1).

ClinVar aggregate classification (germline): Uncertain significance (1 of 4 stars; one submission).

Submission:

GeneDx
Classification: Uncertain significance. Last evaluated: 2025-05-02. Review status: criteria provided, single submitter. Criteria: GeneDx Variant Classification Process June 2021. Collection method: clinical testing. Allele origin: germline. Affected: yes.
Comment: Not observed at significant frequency in large population cohorts (gnomAD); In silico analysis supports that this missense variant has a deleterious effect on protein structure/function; Has not been previously published as pathogenic or benign to our knowledge